The following is an entry in ClinVar:

NM_001048174.2(MUTYH):c.1144G>C (p.Glu382Gln)

Gene: MUTYH (mutY DNA glycosylase; minus strand). Cytogenetic location: 1p34.1.
Variant type: single nucleotide variant.
Coding change: c.1144G>C on transcript NM_001048174.2 (MANE Select); coding-DNA position 1144, G replaced by C.
Protein change: p.Glu382Gln; replaces glutamic acid 382 with glutamine.
Molecular consequence: missense variant. On other transcripts: non-coding transcript variant (7).
Genome position (GRCh38, 1-based): chr1:45,331,515, C>G on the plus strand (G>C on the coding strand, the complement: MUTYH is on the minus strand). VCF-style: chr1-45331515-C-G. GRCh37 (hg19) VCF-style: chr1-45797187-C-G.
Other names: c.1144G>C, p.Glu382Gln (NM_001048171.2, NM_001048173.2, NM_001293195.2 and 6 more transcripts); c.1147G>C, p.Glu383Gln (NM_001048172.2, NM_001407071.1, NM_001407078.1 and 1 more transcripts); c.1228G>C, p.Glu410Gln (NM_001128425.2); c.1189G>C, p.Glu397Gln (NM_001293190.2); c.1177G>C, p.Glu393Gln (NM_001293191.2, NM_001407069.1, NM_001407077.1); c.868G>C, p.Glu290Gln (NM_001293192.2, NM_001293196.2, NM_001407091.1); c.799G>C, p.Glu267Gln (NM_001350650.2, NM_001350651.2, NM_001407082.1); c.1060G>C, p.Glu354Gln (NM_001407075.1); and 5 more; short protein forms E389Q, E393Q, E397Q, E267Q, E290Q, E368Q, E382Q, E410Q.
Identifiers: ClinVar variation 4113100 (VCV004113100.1).

ClinVar aggregate classification (germline): Uncertain significance (1 of 4 stars; one submission).

Conditions:
Hereditary cancer-predisposing syndrome. Also called: Tumor predisposition; Neoplastic Syndromes, Hereditary; Hereditary neoplastic syndrome; Hereditary Cancer Syndrome. Identifiers: Orphanet 140162, MedGen C0027672, MeSH D009386, MONDO:0015356.

Submission:

Ambry Genetics
Classification: Uncertain significance for Hereditary cancer-predisposing syndrome. Last evaluated: 2025-08-27. Review status: criteria provided, single submitter. Criteria: Ambry Variant Classification Scheme 2023. Collection method: clinical testing. Allele origin: germline.
Comment: The p.E410Q variant (also known as c.1228G>C), located in coding exon 13 of the MUTYH gene, results from a G to C substitution at nucleotide position 1228. The glutamic acid at codon 410 is replaced by glutamine, an amino acid with highly similar properties. This amino acid position is conserved. In addition, this alteration is predicted to be tolerated by in silico analysis. Based on the available evidence, the clinical significance of this variant remains unclear.